The following is an entry in ClinVar:

ClinVar aggregate classification (germline): Uncertain significance (1 of 4 stars; one submission).

Conditions:
Developmental and epileptic encephalopathy, 23 (DEE23). Also called: Epileptic encephalopathy, early infantile, 23. Identifiers: Orphanet 411986, MedGen C4014492, MONDO:0014371, OMIM 615859.

Allele frequency attached by ClinVar (database versions not stated): gnomAD exomes below 0.00001 and 0.00001; TOPMed below 0.00001; ExAC 0.00001.
gnomAD v4.1: 1 of 1,613,756 alleles (0.000062%); highest among the groups gnomAD compares: Admixed American, 0.0017%; no homozygotes.

Submission:

Labcorp Genetics (formerly Invitae), Labcorp
Classification: Uncertain significance for Developmental and epileptic encephalopathy, 23. Last evaluated: 2022-06-28. Review status: criteria provided, single submitter. Criteria: Invitae Variant Classification Sherloc (09022015). Collection method: clinical testing. Allele origin: germline.
Comment: In summary, the available evidence is currently insufficient to determine the role of this variant in disease. Therefore, it has been classified as a Variant of Uncertain Significance. Algorithms developed to predict the effect of missense changes on protein structure and function output the following: SIFT: "Deleterious"; PolyPhen-2: "Benign"; Align-GVGD: "Class C0". The cysteine amino acid residue is found in multiple mammalian species, which suggests that this missense change does not adversely affect protein function. This variant has not been reported in the literature in individuals affected with DOCK7-related conditions. This variant is present in population databases (rs763107365, gnomAD 0.006%). This sequence change replaces tyrosine, which is neutral and polar, with cysteine, which is neutral and slightly polar, at codon 1277 of the DOCK7 protein (p.Tyr1277Cys).

NM_001367561.1(DOCK7):c.3830A>G (p.Tyr1277Cys)

Gene: DOCK7 (dedicator of cytokinesis 7; minus strand). Cytogenetic location: 1p31.3.
Variant type: single nucleotide variant.
Coding change: c.3830A>G on transcript NM_001367561.1 (MANE Select); coding-DNA position 3830, A replaced by G.
Protein change: p.Tyr1277Cys; replaces tyrosine 1277 with cysteine.
Molecular consequence: missense variant.
Genome position (GRCh38, 1-based): chr1:62,528,257, T>C on the plus strand (A>G on the coding strand, the complement: DOCK7 is on the minus strand). VCF-style: chr1-62528257-T-C. GRCh37 (hg19) VCF-style: chr1-62993928-T-C.
Other names: c.3830A>G, p.Tyr1277Cys (NM_001271999.2, NM_001330614.2); c.3737A>G, p.Tyr1246Cys (NM_001272000.2, NM_001272001.2, NM_033407.4); short protein forms Y1246C, Y1277C.
Identifiers: ClinVar variation 1361574 (VCV001361574.4), dbSNP rs763107365, ClinGen allele CA885871.
Genomic context (GRCh38, chr1:62,528,257, plus strand): 5'-GATGTCCCTGCGATTGCCATGGCAACGGTCTGGCTTATCATACTTCCGCTCTCACTTTCA[T>C]AATCATCAGTGGCTATACAAATTGGTCTTCCTCGTTGATTGTGAGTTTCTAAAGAAAAAT-3'
Protein context (NP_001354490.1, residues 1267-1287): GRPICIATDD[Tyr1277Cys]ESESGSMISQ